The following is an entry in ClinVar:

NM_000268.4(NF2):c.1639G>A (p.Glu547Lys)

Gene: NF2 (NF2, moesin-ezrin-radixin like (MERLIN) tumor suppressor; plus strand). Cytogenetic location: 22q12.2.
Variant type: single nucleotide variant.
Coding change: c.1639G>A on transcript NM_000268.4 (MANE Select); coding-DNA position 1639, G replaced by A.
Protein change: p.Glu547Lys; replaces glutamic acid 547 with lysine.
Molecular consequence: missense variant. On other transcripts: non-coding transcript variant (1), intron variant (1).
Genome position (GRCh38, 1-based): chr22:29,681,503, G>A. VCF-style: chr22-29681503-G-A. GRCh37 (hg19) VCF-style: chr22-30077492-G-A.
Other names: c.1639G>A, p.Glu547Lys (NM_016418.5, NM_181825.3, NM_181832.3); c.1513G>A, p.Glu505Lys (NM_181828.3); c.1516G>A, p.Glu506Lys (NM_181829.3); c.1390G>A, p.Glu464Lys (NM_181830.3, NM_181831.3); c.448-13249G>A (NM_181833.3); short protein forms E547K, E464K, E505K, E506K.
Identifiers: ClinVar variation 457903 (VCV000457903.35), dbSNP rs199669486, ClinGen allele CA032474.

ClinVar aggregate classification (germline): Conflicting classifications of pathogenicity. Review status: criteria provided, conflicting classifications (1 of 4 stars). 6 submissions from 6 submitters: Uncertain significance (2); Likely benign (4). Last evaluated 2026-01-27.

Conditions:
Hereditary cancer-predisposing syndrome. Also called: Neoplastic Syndromes, Hereditary; Tumor predisposition; Hereditary neoplastic syndrome; Hereditary Cancer Syndrome. Identifiers: Orphanet 140162, MedGen C0027672, MeSH D009386, MONDO:0015356.
Neurofibromatosis, type 2 (SWNV). Also called: BILATERAL ACOUSTIC NEUROFIBROMATOSIS; SCHWANNOMATOSIS, VESTIBULAR; NF2-Related Schwannomatosis. Identifiers: Orphanet 637, MedGen C0027832, MONDO:0007039, OMIM 101000. Disease mechanism: loss of function.

Allele frequency attached by ClinVar (database versions not stated): TOPMed 0.00006; gnomAD 0.00019 and 0.00018; gnomAD exomes 0.00025 and 0.00015; ExAC 0.00026; ESP Exome Variant Server 0.00023.

Submissions (6):

Labcorp Genetics (formerly Invitae), Labcorp
Classification: Likely benign for Neurofibromatosis, type 2. Last evaluated: 2026-01-27. Review status: criteria provided, single submitter. Criteria: Invitae Variant Classification Sherloc (09022015). Collection method: clinical testing. Allele origin: germline.

Dasa
Classification: Uncertain significance. Last evaluated: 2025-04-14. Review status: criteria provided, single submitter. Criteria: DASA Assertion Criteria. Collection method: clinical testing. Allele origin: germline.
Comment: NM_000268.4(NF2):c.1639G>A (p.Glu547Lys) is a missense variant that results in the substitution of glutamic acid with lysine. This variant is rare in population databases. Computational prediction algorithms are consistent with a deleterious effect. The currently available literature and clinical evidence are not sufficient to establish a definitive association between this variant and the reported condition. Therefore, this variant is classified as a variant of uncertain significance.

Color Diagnostics, LLC DBA Color Health
Classification: Likely benign for Neurofibromatosis, type 2. Last evaluated: 2022-03-09. Review status: criteria provided, single submitter. Criteria: ACMG Guidelines, 2015. Collection method: clinical testing. Allele origin: germline.

Genome-Nilou Lab
Classification: Likely benign for Neurofibromatosis, type 2. Last evaluated: 2021-11-07. Review status: criteria provided, single submitter. Criteria: ACMG Guidelines, 2015. Collection method: clinical testing. Allele origin: germline. Affected: no.

Institute for Clinical Genetics, University Hospital TU Dresden, University Hospital TU Dresden
Classification: Uncertain significance. Last evaluated: 2021-11-03. Review status: criteria provided, single submitter. Criteria: ACMG Guidelines, 2015. Collection method: clinical testing. Allele origin: germline.

Ambry Genetics
Classification: Likely benign for Hereditary cancer-predisposing syndrome. Last evaluated: 2020-09-21. Review status: criteria provided, single submitter. Criteria: Ambry Variant Classification Scheme 2023. Collection method: clinical testing. Allele origin: germline.

Literature cited by the submitters: PubMed 15692946 (cited by Ambry Genetics); PubMed 22325036 (cited by Ambry Genetics).